The following is an entry in ClinVar:

ClinVar aggregate classification (germline): Conflicting classifications of pathogenicity. Review status: criteria provided, conflicting classifications (1 of 4 stars). 6 submissions from 6 submitters: Uncertain significance (4); Benign (1). 1 of the submissions does not count toward it. Last evaluated 2025-12-17.

Conditions:
Inborn genetic diseases. Identifiers: MedGen C0950123, MeSH D030342.
Nemaline myopathy 2 (NEM2). Also called: Nemaline myopathy 2, autosomal recessive. Identifiers: MedGen C1850569, MONDO:0009725, OMIM 256030.

Allele frequency attached by ClinVar (database versions not stated): gnomAD 0.00009; gnomAD exomes 0.00011 and 0.00018; TOPMed 0.00011; ExAC 0.00007.
gnomAD v4.1: 275 of 1,612,376 alleles (0.017%); highest among the groups gnomAD compares: Non-Finnish European, 0.02%; no homozygotes.

Submissions (6):

Labcorp Genetics (formerly Invitae), Labcorp
Classification: Benign for Nemaline myopathy 2. Last evaluated: 2025-12-17. Review status: criteria provided, single submitter. Criteria: Invitae Variant Classification Sherloc (09022015). Collection method: clinical testing. Allele origin: germline.

Ambry Genetics
Classification: Uncertain significance for Inborn genetic diseases. Last evaluated: 2024-02-05. Review status: criteria provided, single submitter. Criteria: Ambry Variant Classification Scheme 2023. Collection method: clinical testing. Allele origin: germline.

Revvity Omics, Revvity
Classification: Uncertain significance. Last evaluated: 2023-10-30. Review status: criteria provided, single submitter. Criteria: ACMG Guidelines, 2015. Collection method: clinical testing. Allele origin: germline.

CeGaT Center for Human Genetics Tuebingen
Classification: Uncertain significance. Last evaluated: 2022-12-01. Review status: criteria provided, single submitter. Criteria: CeGaT Center For Human Genetics Tuebingen Variant Classification Criteria Version 2. Collection method: clinical testing. Allele origin: germline. Affected: yes. Observed: 1 variant allele.
Comment: NEB: PM2

GeneDx
Classification: Uncertain significance. Last evaluated: 2020-08-25. Review status: criteria provided, single submitter. Criteria: GeneDx Variant Classification Process June 2021. Collection method: clinical testing. Allele origin: germline. Affected: yes.
Comment: In silico analysis supports that this missense variant does not alter protein structure/function; Has not been previously published as pathogenic or benign to our knowledge

Natera, Inc.
Classification: Uncertain significance for Nemaline myopathy type 2. Last evaluated: 2020-02-21. Review status: no assertion criteria provided. Collection method: clinical testing. Allele origin: germline. Not counted in ClinVar's aggregate classification.

NM_001164508.2(NEB):c.21757G>A (p.Glu7253Lys)

Genes: NEB (nebulin; minus strand), RIF1 (replication timing regulatory factor 1; plus strand). Cytogenetic location: 2q23.3.
Variant type: single nucleotide variant.
Coding change: c.21757G>A on transcript NM_001164508.2 (MANE Select); coding-DNA position 21757, G replaced by A.
Protein change: p.Glu7253Lys; replaces glutamic acid 7253 with lysine.
Molecular consequence: missense variant.
Genome position (GRCh38, 1-based): chr2:151,527,564, C>T on the plus strand (G>A on the coding strand, the complement: NEB is on the minus strand). VCF-style: chr2-151527564-C-T. GRCh37 (hg19) VCF-style: chr2-152384078-C-T.
Other names: c.21757G>A, p.Glu7253Lys (NM_001164507.2); c.21862G>A, p.Glu7288Lys (NM_001271208.2); c.16654G>A, p.Glu5552Lys (NM_004543.5); c.16654G>A (NM_004543.4); short protein forms E7253K, E5552K, E7288K.
Identifiers: ClinVar variation 646007 (VCV000646007.41), dbSNP rs745791097, ClinGen allele CA1906885.
Genomic context (GRCh38, chr2:151,527,564, plus strand): 5'-TGGCAGCCTGGAGGAAGTCCGGTCGGTCAGGAGTCCACTTCCAGTGGGCTTTGTTGGCTT[C>T]GTACTGTTTCTTATAGTCCAGCTGTTTTTAACAGGAGAGAAAGGAATCACTTGATTCAGT-3'
Protein context (NP_001157980.2, residues 7243-7263): NTNLDYKKQY[Glu7253Lys]ANKAHWKWTP